The following is an entry in ClinVar:

ClinVar aggregate classification (germline): Likely pathogenic (1 of 4 stars; one submission).

Conditions:
Cockayne syndrome type 2 (CSB). Also called: Cockayne Syndrome, Type II; COCKAYNE SYNDROME B. Identifiers: Orphanet 191, Orphanet 90322, MedGen C0751038, MONDO:0019570, OMIM 133540.

Submission:

Myriad Genetics, Inc.
Classification: Likely pathogenic for Cockayne syndrome type 2. Last evaluated: 2019-09-07. Review status: criteria provided, single submitter. Criteria: Myriad Women's Health Autosomal Recessive and X-Linked Classification Criteria (2019). Collection method: clinical testing. Allele origin: unknown.
Comment: NM_000124.2(ERCC6):c.2380C>T(Q794*) is expected to be pathogenic in the context of ERCC6-related disorders. This variant is predicted to lead to an abnormal or absent protein product due to the creation of a premature termination codon in ERCC6, a gene where loss-of-function variants are known to be pathogenic. Please note: this variant was assessed in the context of healthy population screening.

NM_000124.4(ERCC6):c.2380C>T (p.Gln794Ter)

Gene: ERCC6 (ERCC excision repair 6, chromatin remodeling factor; minus strand). Cytogenetic location: 10q11.23.
Variant type: single nucleotide variant.
Coding change: c.2380C>T on transcript NM_000124.4 (MANE Select); coding-DNA position 2380, C replaced by T.
Protein change: p.Gln794Ter; replaces glutamine 794 with a stop codon.
Molecular consequence: nonsense.
Genome position (GRCh38, 1-based): chr10:49,476,217, G>A on the plus strand (C>T on the coding strand, the complement: ERCC6 is on the minus strand). VCF-style: chr10-49476217-G-A. GRCh37 (hg19) VCF-style: chr10-50684263-G-A.
Other names: c.2380C>T, p.Gln794Ter (NM_001346440.2); short protein forms Q794*.
Identifiers: ClinVar variation 983771 (VCV000983771.3), dbSNP rs1850874595, ClinGen allele CA376722281.